The following is an entry in ClinVar:

NM_015896.4(ZMYND10):c.999+5G>C

Gene: ZMYND10 (zinc finger MYND-type containing 10; minus strand). Cytogenetic location: 3p21.31.
Variant type: single nucleotide variant.
Coding change: c.999+5G>C on transcript NM_015896.4 (MANE Select); 5 bases into the intron after coding-DNA position 999, G replaced by C.
Molecular consequence: intron variant.
Genome position (GRCh38, 1-based): chr3:50,342,010, C>G on the plus strand (G>C on the coding strand, the complement: ZMYND10 is on the minus strand). VCF-style: chr3-50342010-C-G. GRCh37 (hg19) VCF-style: chr3-50379441-C-G.
Other names: c.984+5G>C (NM_001308379.2).
Identifiers: ClinVar variation 3665890 (VCV003665890.2).

ClinVar aggregate classification (germline): Uncertain significance (1 of 4 stars; one submission).

Conditions:
Primary ciliary dyskinesia. Also called: Ciliary dyskinesia. Identifiers: Orphanet 244, MedGen C0008780, MONDO:0016575, HP:0012265.

gnomAD v4.1: 1 of 1,614,208 alleles (0.000062%); no homozygotes.

Submission:

Labcorp Genetics (formerly Invitae), Labcorp
Classification: Uncertain significance for Primary ciliary dyskinesia. Last evaluated: 2024-03-01. Review status: criteria provided, single submitter. Criteria: Invitae Variant Classification Sherloc (09022015). Collection method: clinical testing. Allele origin: germline.
Comment: This sequence change falls in intron 9 of the ZMYND10 gene. It does not directly change the encoded amino acid sequence of the ZMYND10 protein. It affects a nucleotide within the consensus splice site. This variant is not present in population databases (gnomAD no frequency). This variant has not been reported in the literature in individuals affected with ZMYND10-related conditions. Variants that disrupt the consensus splice site are a relatively common cause of aberrant splicing (PMID: 17576681, 9536098). Algorithms developed to predict the effect of sequence changes on RNA splicing suggest that this variant may disrupt the consensus splice site. In summary, the available evidence is currently insufficient to determine the role of this variant in disease. Therefore, it has been classified as a Variant of Uncertain Significance.

Literature cited by the submitters: PubMed 17576681; PubMed 9536098.